The following is an entry in ClinVar:

ClinVar aggregate classification (germline): Uncertain significance. Review status: criteria provided, multiple submitters, no conflicts (2 of 4 stars). 4 submissions from 4 submitters: Uncertain significance (4). Last evaluated 2025-06-12.

Conditions:
Cardiovascular phenotype. Identifiers: MedGen CN230736.
Danon disease. Also called: PSEUDOGLYCOGENOSIS II; GSD IIb; LYSOSOMAL GLYCOGEN STORAGE DISEASE WITHOUT ACID MALTASE DEFICIENCY; Glycogen Storage Disease Type IIb; ANTOPOL DISEASE. Identifiers: Orphanet 34587, MedGen C0878677, MONDO:0010281, OMIM 300257.

Allele frequency attached by ClinVar (database versions not stated): gnomAD exomes below 0.00001 and 0.00001; TOPMed 0.00002; gnomAD 0.00003.
gnomAD v4.1: 8 of 1,206,572 alleles (0.00066%); highest among the groups gnomAD compares: African/African-American, 0.0087%; no homozygotes.

Submissions (4):

Labcorp Genetics (formerly Invitae), Labcorp
Classification: Uncertain significance for Danon disease. Last evaluated: 2025-06-12. Review status: criteria provided, single submitter. Criteria: Invitae Variant Classification Sherloc (09022015). Collection method: clinical testing. Allele origin: germline.
Comment: This sequence change replaces lysine, which is basic and polar, with asparagine, which is neutral and polar, at codon 333 of the LAMP2 protein (p.Lys333Asn). This variant is present in population databases (no rsID available, gnomAD 0.01%), including at least one homozygous and/or hemizygous individual. This variant has not been reported in the literature in individuals affected with LAMP2-related conditions. ClinVar contains an entry for this variant (Variation ID: 1060077). Invitae Evidence Modeling of protein sequence and biophysical properties (such as structural, functional, and spatial information, amino acid conservation, physicochemical variation, residue mobility, and thermodynamic stability) indicates that this missense variant is expected to disrupt LAMP2 protein function with a positive predictive value of 80%. In summary, the available evidence is currently insufficient to determine the role of this variant in disease. Therefore, it has been classified as a Variant of Uncertain Significance.

Molecular Diagnostic Laboratory for Inherited Cardiovascular Disease, Montreal Heart Institute
Classification: Uncertain significance for Cardiovascular phenotype. Last evaluated: 2025-04-09. Review status: criteria provided, single submitter. Criteria: ACMG Guidelines, 2015. Collection method: clinical testing. Allele origin: germline. Affected: yes.
Comment: PP3, BS1

GeneDx
Classification: Uncertain significance. Last evaluated: 2024-09-05. Review status: criteria provided, single submitter. Criteria: GeneDx Variant Classification Process June 2021. Collection method: clinical testing. Allele origin: germline. Affected: yes.
Comment: In silico analysis supports that this missense variant has a deleterious effect on protein structure/function; Has not been previously published as pathogenic or benign to our knowledge

Ambry Genetics
Classification: Uncertain significance for Cardiovascular phenotype. Last evaluated: 2021-08-31. Review status: criteria provided, single submitter. Criteria: Ambry Variant Classification Scheme 2023. Collection method: clinical testing. Allele origin: germline.
Comment: The p.K333N variant (also known as c.999A>C), located in coding exon 8 of the LAMP2 gene, results from an A to C substitution at nucleotide position 999. The lysine at codon 333 is replaced by asparagine, an amino acid with similar properties. Based on data from gnomAD, the C allele has an overall frequency of 0.001% (3/205520) total alleles studied, with 2 hemizygotes observed. The highest observed frequency was 0.01% (2/19103) of African/African American alleles. This amino acid position is well conserved in available vertebrate species. In addition, this alteration is predicted to be tolerated by in silico analysis. Since supporting evidence is limited at this time, the clinical significance of this alteration remains unclear.

NM_002294.3(LAMP2):c.999A>C (p.Lys333Asn)

Gene: LAMP2 (lysosome associated membrane protein 2; minus strand). Cytogenetic location: Xq24.
Variant type: single nucleotide variant.
Coding change: c.999A>C on transcript NM_002294.3 (MANE Select); coding-DNA position 999, A replaced by C.
Protein change: p.Lys333Asn; replaces lysine 333 with asparagine.
Molecular consequence: missense variant.
Genome position (GRCh38, 1-based): chrX:120,441,824, T>G on the plus strand (A>C on the coding strand, the complement: LAMP2 is on the minus strand). VCF-style: chrX-120441824-T-G. GRCh37 (hg19) VCF-style: chrX-119575679-T-G.
Other names: c.999A>C, p.Lys333Asn (NM_001122606.1, NM_013995.2); short protein forms K333N.
Identifiers: ClinVar variation 1060077 (VCV001060077.13), dbSNP rs1341268966, ClinGen allele CA414400088.